The following is an entry in ClinVar:

ClinVar aggregate classification (germline): Uncertain significance (1 of 4 stars; one submission).

gnomAD v4.1: 40 of 1,613,150 alleles (0.0025%); highest among the groups gnomAD compares: Non-Finnish European, 0.0032%; no homozygotes.

Submission:

Labcorp Genetics (formerly Invitae), Labcorp
Classification: Uncertain significance. Last evaluated: 2025-09-03. Review status: criteria provided, single submitter. Criteria: Invitae Variant Classification Sherloc (09022015). Collection method: clinical testing. Allele origin: germline.
Comment: This sequence change replaces glycine, which is neutral and non-polar, with serine, which is neutral and polar, at codon 154 of the SHPK protein (p.Gly154Ser). This variant is present in population databases (no rsID available, gnomAD 0.003%). This variant has not been reported in the literature in individuals affected with SHPK-related conditions. ClinVar contains an entry for this variant (Variation ID: 3625051). An algorithm developed to predict the effect of missense changes on protein structure and function (PolyPhen-2) suggests that this variant is likely to be disruptive. In summary, the available evidence is currently insufficient to determine the role of this variant in disease. Therefore, it has been classified as a Variant of Uncertain Significance.

NM_013276.4(SHPK):c.460G>A (p.Gly154Ser)

Genes: SHPK (sedoheptulokinase; minus strand), LOC126862464 (MED14-independent group 3 enhancer GRCh37_chr17:3526895-3528094; plus strand). Cytogenetic location: 17p13.2.
Variant type: single nucleotide variant.
Coding change: c.460G>A on transcript NM_013276.4 (MANE Select); coding-DNA position 460, G replaced by A.
Protein change: p.Gly154Ser; replaces glycine 154 with serine.
Molecular consequence: missense variant.
Genome position (GRCh38, 1-based): chr17:3,624,082, C>T on the plus strand (G>A on the coding strand, the complement: SHPK is on the minus strand). VCF-style: chr17-3624082-C-T. GRCh37 (hg19) VCF-style: chr17-3527376-C-T.
Other names: short protein forms G154S.
Identifiers: ClinVar variation 3625051 (VCV003625051.2).
Genomic context (GRCh38, chr17:3,624,082, plus strand): 5'-CCGAGTGAAAGTGCAGTTGCCCGTACCGATATTTCAAAAGCCAGAAGATGGTTGCACAGC[C>T]GAAGCCCGTGGCCACACTGAGATGAGACTTCGGCTGGGGCAGAGAGGCCAGGAATTCGCT-3'
Protein context (NP_037408.2, residues 144-164): KSHLSVATGF[Gly154Ser]CATIFWLLKY